The following is an entry in ClinVar:

NM_001267550.2(TTN):c.99422T>C (p.Leu33141Pro)

Genes: TTN (titin; minus strand), TTN-AS1 (TTN antisense RNA 1; plus strand). Cytogenetic location: 2q31.2.
Variant type: single nucleotide variant.
Coding change: c.99422T>C on transcript NM_001267550.2 (MANE Select); coding-DNA position 99422, T replaced by C.
Protein change: p.Leu33141Pro; replaces leucine 33141 with proline.
Molecular consequence: missense variant.
Genome position (GRCh38, 1-based): chr2:178,537,785, A>G on the plus strand (T>C on the coding strand, the complement: TTN is on the minus strand). VCF-style: chr2-178537785-A-G. GRCh37 (hg19) VCF-style: chr2-179402512-A-G.
Other names: c.94499T>C, p.Leu31500Pro (NM_001256850.1); c.72227T>C, p.Leu24076Pro (NM_003319.4); c.91718T>C, p.Leu30573Pro (NM_133378.4); c.72602T>C, p.Leu24201Pro (NM_133432.3); c.72803T>C, p.Leu24268Pro (NM_133437.4); short protein forms L24076P, L33141P, L30573P, L31500P, L24201P, L24268P.
Identifiers: ClinVar variation 518743 (VCV000518743.5), dbSNP rs1553505321, ClinGen allele CA349428496.

ClinVar aggregate classification (germline): Uncertain significance (1 of 4 stars; one submission).

Conditions:
Cardiovascular phenotype. Identifiers: MedGen CN230736.

Submission:

Ambry Genetics
Classification: Uncertain significance for Cardiovascular phenotype. Last evaluated: 2017-11-13. Review status: criteria provided, single submitter. Criteria: Ambry Variant Classification Scheme 2023. Collection method: clinical testing. Allele origin: germline.
Comment: The p.L24076P variant (also known as c.72227T>C), located in coding exon 182 of the TTN gene, results from a T to C substitution at nucleotide position 72227. The leucine at codon 24076 is replaced by proline, an amino acid with similar properties. This amino acid position is highly conserved in available vertebrate species. In addition, the in silico prediction for this alteration is inconclusive. Since supporting evidence is limited at this time, the clinical significance of this alteration remains unclear.